The following is an entry in ClinVar:

NM_005186.4(CAPN1):c.2038G>A (p.Val680Met)

Genes: CAPN1 (calpain 1; plus strand), LOC126861236 (P300/CBP strongly-dependent group 1 enhancer GRCh37_chr11:64976880-64978079; plus strand). Cytogenetic location: 11q13.1.
Variant type: single nucleotide variant.
Coding change: c.2038G>A on transcript NM_005186.4 (MANE Select); coding-DNA position 2038, G replaced by A.
Protein change: p.Val680Met; replaces valine 680 with methionine.
Molecular consequence: missense variant. On other transcripts: non-coding transcript variant (1).
Genome position (GRCh38, 1-based): chr11:65,210,431, G>A. VCF-style: chr11-65210431-G-A. GRCh37 (hg19) VCF-style: chr11-64977902-G-A.
Other names: c.2038G>A, p.Val680Met (NM_001198868.2, NM_001198869.2); short protein forms V680M.
Identifiers: ClinVar variation 4709490 (VCV004709490.1).
Genomic context (GRCh38, chr11:65,210,431, plus strand): 5'-ATCACCCGCTACTCGGAGCCCGACCTGGCGGTCGACTTTGACAATTTCGTTTGCTGCCTG[G>A]TGCGGCTAGAGACCATGTTCCGTGAGTGTCCCCAACTGCCTCCCACCCTCCAGCTCCGTC-3'
Protein context (NP_005177.2, residues 670-690): VDFDNFVCCL[Val680Met]RLETMFRFFK

ClinVar aggregate classification (germline): Uncertain significance (1 of 4 stars; one submission).

gnomAD v4.1: 8 of 1,610,998 alleles (0.0005%); highest among the groups gnomAD compares: Non-Finnish European, 0.00068%; no homozygotes.

Submission:

Labcorp Genetics (formerly Invitae), Labcorp
Classification: Uncertain significance. Last evaluated: 2025-11-03. Review status: criteria provided, single submitter. Criteria: Invitae Variant Classification Sherloc (09022015). Collection method: clinical testing. Allele origin: germline.
Comment: This sequence change replaces valine, which is neutral and non-polar, with methionine, which is neutral and non-polar, at codon 680 of the CAPN1 protein (p.Val680Met). The frequency data for this variant in the population databases is considered unreliable, as metrics indicate poor data quality at this position in the gnomAD database. This variant has not been reported in the literature in individuals affected with CAPN1-related conditions. Invitae Evidence Modeling of protein sequence and biophysical properties (such as structural, functional, and spatial information, amino acid conservation, physicochemical variation, residue mobility, and thermodynamic stability) indicates that this missense variant is not expected to disrupt CAPN1 protein function with a negative predictive value of 80%. In summary, the available evidence is currently insufficient to determine the role of this variant in disease. Therefore, it has been classified as a Variant of Uncertain Significance.